The following is an entry in ClinVar:

ClinVar aggregate classification (germline): Benign/Likely benign. Review status: criteria provided, multiple submitters, no conflicts (2 of 4 stars). 7 submissions from 7 submitters: Benign (3); Likely benign (3). 1 of the submissions does not count toward it. Last evaluated 2026-06-01.

Conditions:
ILDR1-related disorder. Also called: ILDR1-related condition.

Allele frequency attached by ClinVar (database versions not stated): 1000 Genomes Project 0.00160; 1000 Genomes Project 30x 0.00187; gnomAD 0.00384 and 0.00402; TOPMed 0.00394; gnomAD exomes 0.00397 and 0.00597; ESP Exome Variant Server 0.00561; ExAC 0.00918.
gnomAD v4.1: 9,199 of 1,605,870 alleles (0.57%); highest among the groups gnomAD compares: Non-Finnish European, 0.71%; 40 homozygotes.

Submissions (26):

CeGaT Center for Human Genetics Tuebingen
Classification: Likely benign. Last evaluated: 2026-06-01. Review status: criteria provided, single submitter. Criteria: CeGaT Center For Human Genetics Tuebingen Variant Classification Criteria Version 2. Collection method: clinical testing. Allele origin: germline. Affected: yes. Observed: 6 variant alleles.
Comment: ILDR1: BP4, BP7, BS2

Labcorp Genetics (formerly Invitae), Labcorp
Classification: Benign. Last evaluated: 2026-01-01. Review status: criteria provided, single submitter. Criteria: Invitae Variant Classification Sherloc (09022015). Collection method: clinical testing. Allele origin: germline.

Blueprint Genetics
Classification: Likely benign. Last evaluated: 2024-11-26. Review status: criteria provided, single submitter. Criteria: ACMG Guidelines, 2015. Collection method: clinical testing. Allele origin: germline.

GeneDx
Classification: Likely benign. Last evaluated: 2018-04-09. Review status: criteria provided, single submitter. Criteria: GeneDx Variant Classification (06012015). Collection method: clinical testing. Allele origin: germline. Affected: yes.
Comment: This variant is considered likely benign or benign based on one or more of the following criteria: it is a conservative change, it occurs at a poorly conserved position in the protein, it is predicted to be benign by multiple in silico algorithms, and/or has population frequency not consistent with disease.

Eurofins Ntd Llc (ga)
Classification: Benign. Last evaluated: 2014-11-21. Review status: criteria provided, single submitter. Criteria: EGL Classification Definitions 2015. Collection method: clinical testing. Allele origin: germline. Observed: 1 variant allele, 1 heterozygote.

Laboratory for Molecular Medicine, Mass General Brigham Personalized Medicine
Classification: Benign. Last evaluated: 2012-04-30. Review status: criteria provided, single submitter. Criteria: LMM Criteria. Collection method: clinical testing. Allele origin: germline. Observed: 13 variant alleles.
Comment: Gly527Gly in Exon 07 of ILDR1: This variant is not expected to have clinical sig nificance because it does not alter an amino acid residue, is not located within the splice consensus sequence, and has been identified in 0.7% (48/7020) of Eur opean American chromosomes from a broad population by the NHLBI Exome Sequencing Project (dbSNP rs142243054).

PreventionGenetics, part of Exact Sciences
Classification: Benign for ILDR1-related condition. Last evaluated: 2021-02-17. Review status: no assertion criteria provided. Collection method: clinical testing. Allele origin: germline. Not counted in ClinVar's aggregate classification.
Comment: This variant is classified as benign based on ACMG/AMP sequence variant interpretation guidelines (Richards et al. 2015 PMID: 25741868, with internal and published modifications).

Dr. Peter K. Rogan Lab, Western University
No classification provided (evidence only). Condition: Cervical cancer. Review status: no classification provided. Collection method: in vitro. Allele origin: not applicable. Functional consequence: retained intron. Not counted in ClinVar's aggregate classification.

Dr. Peter K. Rogan Lab, Western University
No classification provided (evidence only). Condition: Ovarian serous cystadenocarcinoma. Review status: no classification provided. Collection method: in vitro. Allele origin: not applicable. Functional consequence: retained intron. Not counted in ClinVar's aggregate classification.

Dr. Peter K. Rogan Lab, Western University
No classification provided (evidence only). Condition: Ovarian serous cystadenocarcinoma. Review status: no classification provided. Collection method: in vitro. Allele origin: not applicable. Functional consequence: retained intron. Not counted in ClinVar's aggregate classification.

Dr. Peter K. Rogan Lab, Western University
No classification provided (evidence only). Condition: Ovarian serous cystadenocarcinoma. Review status: no classification provided. Collection method: in vitro. Allele origin: not applicable. Functional consequence: retained intron. Not counted in ClinVar's aggregate classification.

Dr. Peter K. Rogan Lab, Western University
No classification provided (evidence only). Condition: Ovarian serous cystadenocarcinoma. Review status: no classification provided. Collection method: in vitro. Allele origin: not applicable. Functional consequence: retained intron. Not counted in ClinVar's aggregate classification.

Dr. Peter K. Rogan Lab, Western University
No classification provided (evidence only). Condition: Malignant tumor of esophagus. Review status: no classification provided. Collection method: in vitro. Allele origin: not applicable. Functional consequence: retained intron. Not counted in ClinVar's aggregate classification.

Dr. Peter K. Rogan Lab, Western University
No classification provided (evidence only). Condition: Clear cell carcinoma of kidney. Review status: no classification provided. Collection method: in vitro. Allele origin: not applicable. Functional consequence: retained intron. Not counted in ClinVar's aggregate classification.

Dr. Peter K. Rogan Lab, Western University
No classification provided (evidence only). Condition: Lung cancer. Review status: no classification provided. Collection method: in vitro. Allele origin: not applicable. Functional consequence: retained intron. Not counted in ClinVar's aggregate classification.

Dr. Peter K. Rogan Lab, Western University
No classification provided (evidence only). Condition: Lung cancer. Review status: no classification provided. Collection method: in vitro. Allele origin: not applicable. Functional consequence: retained intron. Not counted in ClinVar's aggregate classification.

Dr. Peter K. Rogan Lab, Western University
No classification provided (evidence only). Condition: Lung cancer. Review status: no classification provided. Collection method: in vitro. Allele origin: not applicable. Functional consequence: retained intron. Not counted in ClinVar's aggregate classification.

Dr. Peter K. Rogan Lab, Western University
No classification provided (evidence only). Condition: Familial cancer of breast. Review status: no classification provided. Collection method: in vitro. Allele origin: not applicable. Functional consequence: retained intron. Not counted in ClinVar's aggregate classification.

Dr. Peter K. Rogan Lab, Western University
No classification provided (evidence only). Condition: Familial cancer of breast. Review status: no classification provided. Collection method: in vitro. Allele origin: not applicable. Functional consequence: retained intron. Not counted in ClinVar's aggregate classification.

Dr. Peter K. Rogan Lab, Western University
No classification provided (evidence only). Condition: Acute myeloid leukemia. Review status: no classification provided. Collection method: in vitro. Allele origin: not applicable. Functional consequence: retained intron. Not counted in ClinVar's aggregate classification.

Dr. Peter K. Rogan Lab, Western University
No classification provided (evidence only). Condition: Colorectal cancer. Review status: no classification provided. Collection method: in vitro. Allele origin: not applicable. Functional consequence: retained intron. Not counted in ClinVar's aggregate classification.

Dr. Peter K. Rogan Lab, Western University
No classification provided (evidence only). Condition: Thyroid cancer, nonmedullary, 1. Review status: no classification provided. Collection method: in vitro. Allele origin: not applicable. Functional consequence: retained intron. Not counted in ClinVar's aggregate classification.

Dr. Peter K. Rogan Lab, Western University
No classification provided (evidence only). Condition: Uterine corpus endometrial carcinoma. Review status: no classification provided. Collection method: in vitro. Allele origin: not applicable. Functional consequence: retained intron. Not counted in ClinVar's aggregate classification.

Dr. Peter K. Rogan Lab, Western University
No classification provided (evidence only). Condition: Uterine corpus endometrial carcinoma. Review status: no classification provided. Collection method: in vitro. Allele origin: not applicable. Functional consequence: retained intron. Not counted in ClinVar's aggregate classification.

Dr. Peter K. Rogan Lab, Western University
No classification provided (evidence only). Condition: Uterine corpus endometrial carcinoma. Review status: no classification provided. Collection method: in vitro. Allele origin: not applicable. Functional consequence: retained intron. Not counted in ClinVar's aggregate classification.

Dr. Peter K. Rogan Lab, Western University
No classification provided (evidence only). Condition: Uterine corpus endometrial carcinoma. Review status: no classification provided. Collection method: in vitro. Allele origin: not applicable. Functional consequence: retained intron. Not counted in ClinVar's aggregate classification.

NM_001199799.2(ILDR1):c.1581G>A (p.Gly527=)

Gene: ILDR1 (immunoglobulin like domain containing receptor 1; minus strand). Cytogenetic location: 3q13.33.
Variant type: single nucleotide variant.
Coding change: c.1581G>A on transcript NM_001199799.2 (MANE Select); coding-DNA position 1581, G replaced by A.
Protein change: p.Gly527=; no amino-acid change (glycine 527 retained).
Molecular consequence: synonymous variant.
Genome position (GRCh38, 1-based): chr3:121,993,168, C>T on the plus strand (G>A on the coding strand, the complement: ILDR1 is on the minus strand). VCF-style: chr3-121993168-C-T. GRCh37 (hg19) VCF-style: chr3-121712015-C-T.
Other names: c.1314G>A, p.Gly438= (NM_001199800.2); c.1449G>A, p.Gly483= (NM_175924.4).
Identifiers: ClinVar variation 44142 (VCV000044142.46), dbSNP rs142243054, ClinGen allele CA133661.